The following is an entry in ClinVar:

ClinVar aggregate classification (germline): Uncertain significance (1 of 4 stars; one submission).

gnomAD v4.1: 1 of 1,614,182 alleles (0.000062%); highest among the groups gnomAD compares: South Asian, 0.0011%; no homozygotes.

Submission:

CeGaT Center for Human Genetics Tuebingen
Classification: Uncertain significance. Last evaluated: 2026-01-01. Review status: criteria provided, single submitter. Criteria: CeGaT Center For Human Genetics Tuebingen Variant Classification Criteria Version 2. Collection method: clinical testing. Allele origin: germline. Affected: yes. Observed: 1 variant allele.
Comment: CSF1R: PM2

NM_001288705.3(CSF1R):c.1690A>G (p.Ile564Val)

Gene: CSF1R (colony stimulating factor 1 receptor; minus strand). Cytogenetic location: 5q32.
Variant type: single nucleotide variant.
Coding change: c.1690A>G on transcript NM_001288705.3 (MANE Select); coding-DNA position 1690, A replaced by G.
Protein change: p.Ile564Val; replaces isoleucine 564 with valine.
Molecular consequence: missense variant. On other transcripts: non-coding transcript variant (2).
Genome position (GRCh38, 1-based): chr5:150,061,786, T>C on the plus strand (A>G on the coding strand, the complement: CSF1R is on the minus strand). VCF-style: chr5-150061786-T-C. GRCh37 (hg19) VCF-style: chr5-149441349-T-C.
Other names: c.1690A>G, p.Ile564Val (NM_001349736.2, NM_001375320.1, NM_005211.4); c.1246A>G, p.Ile416Val (NM_001375321.1); short protein forms I416V, I564V.
Identifiers: ClinVar variation 4822801 (VCV004822801.4).